The following is an entry in ClinVar:

ClinVar aggregate classification (germline): Uncertain significance (1 of 4 stars; one submission).

Conditions:
Inborn genetic diseases. Identifiers: MedGen C0950123, MeSH D030342.

Submission:

Ambry Genetics
Classification: Uncertain significance for Inborn genetic diseases. Last evaluated: 2025-07-17. Review status: criteria provided, single submitter. Criteria: Ambry Variant Classification Scheme 2023. Collection method: clinical testing. Allele origin: germline.
Comment: The p.Q437H variant (also known as c.1311G>T), located in coding exon 10 of the BMPR2 gene, results from a G to T substitution at nucleotide position 1311. The glutamine at codon 437 is replaced by histidine, an amino acid with highly similar properties. This amino acid position is conserved. In addition, the in silico prediction for this alteration is inconclusive. Based on the available evidence, the clinical significance of this variant remains unclear.

NM_001204.7(BMPR2):c.1311G>T (p.Gln437His)

Gene: BMPR2 (bone morphogenetic protein receptor type 2; plus strand). Cytogenetic location: 2q33.2.
Variant type: single nucleotide variant.
Coding change: c.1311G>T on transcript NM_001204.7 (MANE Select); coding-DNA position 1311, G replaced by T.
Protein change: p.Gln437His; replaces glutamine 437 with histidine.
Molecular consequence: missense variant.
Genome position (GRCh38, 1-based): chr2:202,542,345, G>T. VCF-style: chr2-202542345-G-T. GRCh37 (hg19) VCF-style: chr2-203407068-G-T.
Other names: short protein forms Q437H.
Identifiers: ClinVar variation 4214452 (VCV004214452.1).